The following is an entry in ClinVar:

NM_000232.5(SGCB):c.34-150_243+150del

Gene: SGCB (sarcoglycan beta; minus strand). Cytogenetic location: 4q12.
Variant type: Deletion.
Coding change: c.34-150_243+150del on transcript NM_000232.5 (MANE Select); 150 bases into the intron before coding-DNA position 34 through 150 bases into the intron after coding-DNA position 243, 510 bases deleted.
Molecular consequence: splice acceptor variant, splice donor variant.
Genome position (GRCh38, 1-based): chr4:52,033,281-52,033,790, 510 bases deleted. GRCh37 (hg19): chr4:52,899,449-52,899,958.
Identifiers: ClinVar variation 3381206 (VCV003381206.2).

ClinVar aggregate classification (germline): Pathogenic (1 of 4 stars; one submission).

Conditions:
Autosomal recessive limb-girdle muscular dystrophy type 2E (LGMDR4). Also called: MUSCULAR DYSTROPHY, LIMB-GIRDLE, AUTOSOMAL RECESSIVE 4. Identifiers: Orphanet 119, MedGen C1858593, MONDO:0011423, OMIM 604286. Disease mechanism: Affects gamma-sarcoglycan and also disrupts the integrity of the entire sarcoglycan complex..

Submission:

Intergen Genetics and Rare Diseases Diagnosis Center
Classification: Pathogenic for Autosomal recessive limb-girdle muscular dystrophy type 2E. Last evaluated: 2024-11-20. Review status: criteria provided, single submitter. Criteria: ACMG Guidelines, 2015. Collection method: clinical testing. Allele origin: germline. Inheritance: Autosomal recessive inheritance. Affected: yes. Observed: 1 homozygote.